The following is an entry in ClinVar:

NM_000245.4(MET):c.3122A>C (p.Asp1041Ala)

Gene: MET (MET proto-oncogene, receptor tyrosine kinase; plus strand). Cytogenetic location: 7q31.2.
Variant type: single nucleotide variant.
Coding change: c.3122A>C on transcript NM_000245.4 (MANE Select); coding-DNA position 3122, A replaced by C.
Protein change: p.Asp1041Ala; replaces aspartic acid 1041 with alanine.
Molecular consequence: missense variant.
Genome position (GRCh38, 1-based): chr7:116,774,974, A>C. VCF-style: chr7-116774974-A-C. GRCh37 (hg19) VCF-style: chr7-116415028-A-C.
Other names: c.3176A>C, p.Asp1059Ala (NM_001127500.3); c.1832A>C, p.Asp611Ala (NM_001324402.2); short protein forms D1041A, D1059A, D611A.
Identifiers: ClinVar variation 4647603 (VCV004647603.1).

ClinVar aggregate classification (germline): Uncertain significance (1 of 4 stars; one submission).

Conditions:
Hereditary cancer-predisposing syndrome. Also called: Neoplastic Syndromes, Hereditary; Tumor predisposition; Hereditary Cancer Syndrome; Hereditary neoplastic syndrome. Identifiers: Orphanet 140162, MedGen C0027672, MeSH D009386, MONDO:0015356.

Submission:

Ambry Genetics
Classification: Uncertain significance for Hereditary cancer-predisposing syndrome. Last evaluated: 2025-10-02. Review status: criteria provided, single submitter. Criteria: Ambry Variant Classification Scheme 2023. Collection method: clinical testing. Allele origin: germline.
Comment: The p.D1059A variant (also known as c.3176A>C), located in coding exon 14 of the MET gene, results from an A to C substitution at nucleotide position 3176. The aspartic acid at codon 1059 is replaced by alanine, an amino acid with dissimilar properties. This amino acid position is highly conserved in available vertebrate species. In addition, the in silico prediction for this alteration is inconclusive. Loss of function has not been established as a mechanism of disease. Based on the available evidence, the clinical significance of this variant remains unclear.